The following is an entry in ClinVar:

ClinVar aggregate classification (germline): Uncertain significance (1 of 4 stars; one submission).

Submission:

GeneDx
Classification: Uncertain significance. Last evaluated: 2026-04-23. Review status: criteria provided, single submitter. Criteria: GeneDx Variant Classification Process June 2021. Collection method: clinical testing. Allele origin: germline.
Comment: Not observed at significant frequency in large population cohorts (gnomAD); In silico analysis supports that this missense variant has a deleterious effect on protein structure/function; Has not been previously published as pathogenic or benign to our knowledge

NM_001170629.2(CHD8):c.3258C>A (p.Asn1086Lys)

Gene: CHD8 (chromodomain helicase DNA binding protein 8; minus strand). Cytogenetic location: 14q11.2.
Variant type: single nucleotide variant.
Coding change: c.3258C>A on transcript NM_001170629.2 (MANE Select); coding-DNA position 3258, C replaced by A.
Protein change: p.Asn1086Lys; replaces asparagine 1086 with lysine.
Molecular consequence: missense variant.
Genome position (GRCh38, 1-based): chr14:21,405,258, G>T on the plus strand (C>A on the coding strand, the complement: CHD8 is on the minus strand). VCF-style: chr14-21405258-G-T. GRCh37 (hg19) VCF-style: chr14-21873417-G-T.
Other names: c.2421C>A, p.Asn807Lys (NM_020920.4); short protein forms N1086K, N807K.
Identifiers: ClinVar variation 5037616 (VCV005037616.1).